The following is an entry in ClinVar:

ClinVar aggregate classification (germline): Uncertain significance. Review status: criteria provided, multiple submitters, no conflicts (2 of 4 stars). 2 submissions from 2 submitters: Uncertain significance (2). Last evaluated 2025-01-15.

Submissions (2):

Women's Health and Genetics/Laboratory Corporation of America, LabCorp
Classification: Uncertain significance. Last evaluated: 2025-01-15. Review status: criteria provided, single submitter. Criteria: LabCorp Variant Classification Summary - May 2015. Collection method: clinical testing. Allele origin: germline.
Comment: Variant summary: SBF1 c.4696_4698delGAG (p.Glu1566del) results in an in-frame deletion that is predicted to remove 1 amino acid from the encoded protein. The variant allele was found at a frequency of 2e-05 in 249258 control chromosomes. The available data on variant occurrences in the general population are insufficient to allow any conclusion about variant significance. To our knowledge, no occurrence of c.4696_4698delGAG in individuals affected with Charcot-Marie-Tooth disease type 4B3 and no experimental evidence demonstrating its impact on protein function have been reported. ClinVar contains an entry for this variant (Variation ID: 1480239). Based on the evidence outlined above, the variant was classified as uncertain significance.

Labcorp Genetics (formerly Invitae), Labcorp
Classification: Uncertain significance. Last evaluated: 2022-07-15. Review status: criteria provided, single submitter. Criteria: Invitae Variant Classification Sherloc (09022015). Collection method: clinical testing. Allele origin: germline.
Comment: This variant, c.4696_4698del, results in the deletion of 1 amino acid(s) of the SBF1 protein (p.Glu1566del), but otherwise preserves the integrity of the reading frame. This variant is present in population databases (rs756687778, gnomAD 0.007%). This variant has not been reported in the literature in individuals affected with SBF1-related conditions. Experimental studies and prediction algorithms are not available or were not evaluated, and the functional significance of this variant is currently unknown. In summary, the available evidence is currently insufficient to determine the role of this variant in disease. Therefore, it has been classified as a Variant of Uncertain Significance.

NM_002972.4(SBF1):c.4693GAG[1] (p.Glu1566del)

Gene: SBF1 (SET binding factor 1; minus strand). Cytogenetic location: 22q13.33.
Variant type: Microsatellite.
Coding change: c.4693GAG[1] on transcript NM_002972.4 (MANE Select); one copy of the 3-base unit GAG starting at c.4693; the reference has two copies in a row; one copy, 3 bases deleted.
Protein change: p.Glu1566del; deletes glutamic acid 1566.
Molecular consequence: inframe deletion.
Genome position (GRCh38, 1-based): chr22:50,454,928-50,454,930, CTC deleted on the plus strand (GAG on the coding strand, the reverse complement: SBF1 is on the minus strand); deleting any 3 consecutive bases within chr22:50,454,928-50,454,933 gives the same sequence; the position shown is the placement nearest the transcript's 3' end. VCF-style (leftmost placement, unchanged base first): chr22-50454927-TCTC-T. GRCh37 (hg19) VCF-style: chr22-50893356-TCTC-T.
Other names: c.4618GAG[1], p.Glu1541del (NM_001365819.1); c.4696_4698delGAG (NM_002972.4); short protein forms E1566del, E1541del.
Identifiers: ClinVar variation 1480239 (VCV001480239.5), dbSNP rs756687778, ClinGen allele CA10316155.